The following is an entry in ClinVar:

ClinVar aggregate classification (germline): Benign. Review status: criteria provided, single submitter (1 of 4 stars). 4 submissions from 1 submitter: Benign (4). Last evaluated 2018-01-12.

Conditions:
Neurofibromatosis, familial spinal (FSNF). Identifiers: Orphanet 636, MedGen C1834235, MONDO:0008078, OMIM 162210. Disease mechanism: loss of function.
Neurofibromatosis-Noonan syndrome (NFNS). Also called: NEUROFIBROMATOSIS WITH NOONAN PHENOTYPE. Identifiers: Orphanet 638, MedGen C2931482, MONDO:0011035, OMIM 601321. Disease mechanism: loss of function.
Neurofibromatosis, type 1 (NF1). Also called: VON RECKLINGHAUSEN DISEASE; NEUROFIBROMATOSIS, TYPE I, SOMATIC; Neurofibromatosis, type I; Peripheral type neurofibromatosis. Identifiers: Orphanet 636, MedGen C0027831, MONDO:0018975, OMIM 162200. Disease mechanism: loss of function.
Café-au-lait macules with pulmonary stenosis (WTSN). Also called: PULMONIC STENOSIS WITH CAFE-AU-LAIT SPOTS. Identifiers: MedGen C0553586, MONDO:0008672, OMIM 193520.

Allele frequency attached by ClinVar (database versions not stated): gnomAD 0.00034 and 0.00052; TOPMed 0.00073; gnomAD exomes 0.00076; 1000 Genomes Project 30x 0.00344; 1000 Genomes Project 0.00379.
gnomAD v4.1: 138 of 229,594 alleles (0.06%); highest among the groups gnomAD compares: East Asian, 0.81%; 1 homozygote.

Submissions (4):

Illumina Laboratory Services, Illumina
Classification: Benign for Neurofibromatosis, familial spinal. Last evaluated: 2018-01-12. Review status: criteria provided, single submitter. Criteria: ICSL Variant Classification Criteria 13 December 2019. Collection method: clinical testing. Allele origin: germline.
Comment: This variant was observed in the ICSL laboratory as part of a predisposition screen in an ostensibly healthy population. It had not been previously curated by ICSL or reported in the Human Gene Mutation Database (HGMD: prior to June 1st, 2018), and was therefore a candidate for classification through an automated scoring system. Utilizing variant allele frequency, disease prevalence and penetrance estimates, and inheritance mode, an automated score was calculated to assess if this variant is too frequent to cause the disease. Based on the score and internal cut-off values, a variant classified as benign is not then subjected to further curation. The score for this variant resulted in a classification of benign for this disease.

Illumina Laboratory Services, Illumina
Classification: Benign for Neurofibromatosis-Noonan syndrome. Last evaluated: 2018-01-12. Review status: criteria provided, single submitter. Criteria: ICSL Variant Classification Criteria 13 December 2019. Collection method: clinical testing. Allele origin: germline.
Comment: the same text as in the submission from Illumina Laboratory Services, Illumina above.

Illumina Laboratory Services, Illumina
Classification: Benign for Café-au-lait macules with pulmonary stenosis. Last evaluated: 2018-01-12. Review status: criteria provided, single submitter. Criteria: ICSL Variant Classification Criteria 13 December 2019. Collection method: clinical testing. Allele origin: germline.
Comment: the same text as in the submission from Illumina Laboratory Services, Illumina above.

Illumina Laboratory Services, Illumina
Classification: Benign for Neurofibromatosis, type 1. Last evaluated: 2018-01-12. Review status: criteria provided, single submitter. Criteria: ICSL Variant Classification Criteria 13 December 2019. Collection method: clinical testing. Allele origin: germline.
Comment: the same text as in the submission from Illumina Laboratory Services, Illumina above.

NM_001042492.3(NF1):c.*1164G>A

Gene: NF1 (neurofibromin 1; plus strand). Cytogenetic location: 17q11.2.
Variant type: single nucleotide variant.
Coding change: c.*1164G>A on transcript NM_001042492.3 (MANE Select); 1164 bases downstream of the stop codon, G replaced by A.
Molecular consequence: 3 prime UTR variant.
Genome position (GRCh38, 1-based): chr17:31,375,319, G>A. VCF-style: chr17-31375319-G-A. GRCh37 (hg19) VCF-style: chr17-29702337-G-A.
Other names: c.*1164G>A (NM_000267.4).
Identifiers: ClinVar variation 322588 (VCV000322588.5), dbSNP rs140110377, ClinGen allele CA10645300.